The following is an entry in ClinVar:

ClinVar aggregate classification (germline): Conflicting classifications of pathogenicity. Review status: criteria provided, conflicting classifications (1 of 4 stars). 5 submissions from 5 submitters: Pathogenic (2); Uncertain significance (1). 2 of the submissions do not count toward it. Last evaluated 2025-07-14.

Conditions:
Hereditary cancer-predisposing syndrome. Also called: Neoplastic Syndromes, Hereditary; Hereditary Cancer Syndrome; Tumor predisposition; Hereditary neoplastic syndrome. Identifiers: Orphanet 140162, MedGen C0027672, MeSH D009386, MONDO:0015356.
Tumor predisposition syndrome 3 (TPDS3). Also called: Melanoma, cutaneous malignant, susceptibility to, 10; Glioma susceptibility 9; LONG TELOMERE SYNDROME, POT1-RELATED; POT1 Tumor Predisposition. Identifiers: Orphanet 618, MedGen C4014476, MONDO:0014368, OMIM 615848.

Allele frequency attached by ClinVar (database versions not stated): ExAC 0.00001.

Submissions (5):

Ambry Genetics
Classification: Uncertain significance for Hereditary cancer-predisposing syndrome. Last evaluated: 2025-07-14. Review status: criteria provided, single submitter. Criteria: Ambry Variant Classification Scheme 2023. Collection method: clinical testing. Allele origin: germline.
Comment: The p.S270N variant (also known as c.809G>A), located in coding exon 6 of the POT1 gene, results from a G to A substitution at nucleotide position 809. The serine at codon 270 is replaced by asparagine, an amino acid with highly similar properties. This variant was identified in 1/167 Italian individuals with cutaneous melanoma who were CDKN2A/ARF- and CDK4-negative (Pastorino L et al. Cancers (Basel), 2020 04;12:). This variant was also identified in five unrelated melanoma-prone families from Romagna, Italy and described as a founder mutation (Shi J et al. Nat Genet, 2014 May;46:482-6). This amino acid position is not well conserved in available vertebrate species. In addition, this alteration is predicted to be tolerated by in silico analysis. Based on the available evidence, the clinical significance of this variant remains unclear.

Labcorp Genetics (formerly Invitae), Labcorp
Classification: Pathogenic for Tumor predisposition syndrome 3. Last evaluated: 2023-05-13. Review status: criteria provided, single submitter. Criteria: Invitae Variant Classification Sherloc (09022015). Collection method: clinical testing. Allele origin: germline.
Comment: This missense change has been observed in individual(s) with melanoma (PMID: 24686846). It has also been observed to segregate with disease in related individuals. For these reasons, this variant has been classified as Pathogenic. Experimental studies have shown that this missense change affects POT1 function (PMID: 24686846, 27869160). Advanced modeling of protein sequence and biophysical properties (such as structural, functional, and spatial information, amino acid conservation, physicochemical variation, residue mobility, and thermodynamic stability) performed at Invitae indicates that this missense variant is not expected to disrupt POT1 protein function. ClinVar contains an entry for this variant (Variation ID: 139525). This variant is not present in population databases (gnomAD no frequency). This sequence change replaces serine, which is neutral and polar, with asparagine, which is neutral and polar, at codon 270 of the POT1 protein (p.Ser270Asn).

Sema4
Classification: Pathogenic for Hereditary cancer-predisposing syndrome. Last evaluated: 2021-10-14. Review status: criteria provided, single submitter. Criteria: Sema4 Curation Guidelines. Collection method: curation. Allele origin: germline.
Comment: The POT1 c.809G>A (p.S270N) variant has been reported in heterozygosity in at least 13 individuals with cutaneous malignant melanoma (PMID: 24686846). Functional studies have shown that this variant alters the protein function (PMID: 24686846, 27869160). This variant was identified in 5 families, where it was found to segregate with the phenotype across at least 5 individuals (PMID: 24686846). This variant is not reported in the population database Genome Aggregation Database (PMID: 32461654). This variant has been reported in ClinVar (Variation ID: 139525). Based on the current evidence available, this variant is interpreted as pathogenic.

OMIM
Classification: Pathogenic for TUMOR PREDISPOSITION SYNDROME 3. Last evaluated: 2014-05-01. Review status: no assertion criteria provided. Collection method: literature only. Allele origin: germline. Not counted in ClinVar's aggregate classification.

GeneReviews
No classification provided. Condition: Tumor predisposition syndrome 3. Review status: no classification provided. Collection method: literature only. Allele origin: germline. Not counted in ClinVar's aggregate classification.
Comment: Founder variant in Romagna region of Italy

Literature cited by the submitters: PubMed 24686846 (cited by 5 submitters); PubMed 32325837 (cited by Ambry Genetics); PubMed 27869160 (cited by Labcorp Genetics (formerly Invitae), Labcorp and Sema4); PubMed 33119245 (cited by GeneReviews).

NM_015450.3(POT1):c.809G>A (p.Ser270Asn)

Gene: POT1 (protection of telomeres 1; minus strand). Cytogenetic location: 7q31.33.
Variant type: single nucleotide variant.
Coding change: c.809G>A on transcript NM_015450.3 (MANE Select); coding-DNA position 809, G replaced by A.
Protein change: p.Ser270Asn; replaces serine 270 with asparagine.
Molecular consequence: missense variant. On other transcripts: non-coding transcript variant (3).
Genome position (GRCh38, 1-based): chr7:124,853,032, C>T on the plus strand (G>A on the coding strand, the complement: POT1 is on the minus strand). VCF-style: chr7-124853032-C-T. GRCh37 (hg19) VCF-style: chr7-124493086-C-T.
Other names: c.416G>A, p.Ser139Asn (NM_001042594.2); short protein forms S270N, S139N.
Identifiers: ClinVar variation 139525 (VCV000139525.17), dbSNP rs587777477, ClinGen allele CA163232.